The following is an entry in ClinVar:

ClinVar aggregate classification (germline): Uncertain significance (1 of 4 stars; one submission).

Conditions:
Alpha thalassemia-X-linked intellectual disability syndrome (ATRX). Also called: ALPHA-THALASSEMIA/MENTAL RETARDATION SYNDROME, X-LINKED; ATR, NONDELETION TYPE; ATR-X syndrome; Alpha thalassemia mental retardation syndrome, nondeletion type, X-linked; XLMR hypotonic face syndrome; X-linked alpha-thalassemia-mental retardation syndrome. Identifiers: Orphanet 847, MedGen C1845055, MONDO:0010519, OMIM 301040.

Submission:

Labcorp Genetics (formerly Invitae), Labcorp
Classification: Uncertain significance for Alpha thalassemia-X-linked intellectual disability syndrome. Last evaluated: 2024-12-15. Review status: criteria provided, single submitter. Criteria: Invitae Variant Classification Sherloc (09022015). Collection method: clinical testing. Allele origin: germline.
Comment: This sequence change replaces aspartic acid, which is acidic and polar, with glycine, which is neutral and non-polar, at codon 1106 of the ATRX protein (p.Asp1106Gly). This variant is not present in population databases (gnomAD no frequency). This variant has not been reported in the literature in individuals affected with ATRX-related conditions. ClinVar contains an entry for this variant (Variation ID: 2120747). Invitae Evidence Modeling of protein sequence and biophysical properties (such as structural, functional, and spatial information, amino acid conservation, physicochemical variation, residue mobility, and thermodynamic stability) indicates that this missense variant is not expected to disrupt ATRX protein function with a negative predictive value of 95%. In summary, the available evidence is currently insufficient to determine the role of this variant in disease. Therefore, it has been classified as a Variant of Uncertain Significance.

NM_000489.6(ATRX):c.3317A>G (p.Asp1106Gly)

Gene: ATRX (ATRX chromatin remodeler; minus strand). Cytogenetic location: Xq21.1.
Variant type: single nucleotide variant.
Coding change: c.3317A>G on transcript NM_000489.6 (MANE Select); coding-DNA position 3317, A replaced by G.
Protein change: p.Asp1106Gly; replaces aspartic acid 1106 with glycine.
Molecular consequence: missense variant.
Genome position (GRCh38, 1-based): chrX:77,681,939, T>C on the plus strand (A>G on the coding strand, the complement: ATRX is on the minus strand). VCF-style: chrX-77681939-T-C. GRCh37 (hg19) VCF-style: chrX-76937431-T-C.
Other names: c.3203A>G, p.Asp1068Gly (NM_138270.5); short protein forms D1068G, D1106G.
Identifiers: ClinVar variation 2120747 (VCV002120747.4), dbSNP rs2148576326, ClinGen allele CA413706840.